The following is an entry in ClinVar:

NM_001367561.1(DOCK7):c.756T>G (p.Ser252Arg)

Gene: DOCK7 (dedicator of cytokinesis 7; minus strand). Cytogenetic location: 1p31.3.
Variant type: single nucleotide variant.
Coding change: c.756T>G on transcript NM_001367561.1 (MANE Select); coding-DNA position 756, T replaced by G.
Protein change: p.Ser252Arg; replaces serine 252 with arginine.
Molecular consequence: missense variant.
Genome position (GRCh38, 1-based): chr1:62,647,753, A>C on the plus strand (T>G on the coding strand, the complement: DOCK7 is on the minus strand). VCF-style: chr1-62647753-A-C. GRCh37 (hg19) VCF-style: chr1-63113424-A-C.
Other names: c.756T>G, p.Ser252Arg (NM_001271999.2, NM_001272000.2, NM_001272001.2 and 3 more transcripts); short protein forms S252R.
Identifiers: ClinVar variation 1392768 (VCV001392768.1), dbSNP rs2149677827, ClinGen allele CA340626509.

ClinVar aggregate classification (germline): Uncertain significance (1 of 4 stars; one submission).

Conditions:
Developmental and epileptic encephalopathy, 23 (DEE23). Also called: Epileptic encephalopathy, early infantile, 23. Identifiers: Orphanet 411986, MedGen C4014492, MONDO:0014371, OMIM 615859.

Submission:

Labcorp Genetics (formerly Invitae), Labcorp
Classification: Uncertain significance for Developmental and epileptic encephalopathy, 23. Last evaluated: 2021-11-12. Review status: criteria provided, single submitter. Criteria: Invitae Variant Classification Sherloc (09022015). Collection method: clinical testing. Allele origin: germline.
Comment: This sequence change replaces serine, which is neutral and polar, with arginine, which is basic and polar, at codon 252 of the DOCK7 protein (p.Ser252Arg). This variant is not present in population databases (gnomAD no frequency). This variant has not been reported in the literature in individuals affected with DOCK7-related conditions. Algorithms developed to predict the effect of missense changes on protein structure and function (SIFT, PolyPhen-2, Align-GVGD) all suggest that this variant is likely to be tolerated. In summary, the available evidence is currently insufficient to determine the role of this variant in disease. Therefore, it has been classified as a Variant of Uncertain Significance.